The following is an entry in ClinVar:

ClinVar aggregate classification (germline): Uncertain significance (1 of 4 stars; one submission).

Submission:

GeneDx
Classification: Uncertain significance. Last evaluated: 2025-07-30. Review status: criteria provided, single submitter. Criteria: GeneDx Variant Classification Process June 2021. Collection method: clinical testing. Allele origin: germline. Affected: yes.
Comment: Not observed at significant frequency in large population cohorts (gnomAD); In silico analysis suggests that this missense variant does not alter protein structure/function; Has not been previously published as pathogenic or benign to our knowledge

NM_144973.4(DENND5B):c.2048G>C (p.Arg683Thr)

Gene: DENND5B (DENN domain containing 5B; minus strand). Cytogenetic location: 12p11.21.
Variant type: single nucleotide variant.
Coding change: c.2048G>C on transcript NM_144973.4 (MANE Select); coding-DNA position 2048, G replaced by C.
Protein change: p.Arg683Thr; replaces arginine 683 with threonine.
Molecular consequence: missense variant.
Genome position (GRCh38, 1-based): chr12:31,433,213, C>G on the plus strand (G>C on the coding strand, the complement: DENND5B is on the minus strand). VCF-style: chr12-31433213-C-G. GRCh37 (hg19) VCF-style: chr12-31586147-C-G.
Other names: c.2153G>C, p.Arg718Thr (NM_001308339.2); c.2114G>C, p.Arg705Thr (NM_001366890.1); short protein forms R683T, R705T, R718T.
Identifiers: ClinVar variation 4690015 (VCV004690015.1).